The following is an entry in ClinVar:

ClinVar aggregate classification (germline): Pathogenic (1 of 4 stars; one submission).

Conditions:
Familial cancer of breast. Also called: Hereditary breast cancer; hereditary breast carcinoma; BREAST CANCER, FAMILIAL. Identifiers: Orphanet 227535, MedGen C0346153, MONDO:0016419, OMIM 114480. Disease mechanism: loss of function.

Submission:

Labcorp Genetics (formerly Invitae), Labcorp
Classification: Pathogenic for Familial cancer of breast. Last evaluated: 2019-07-14. Review status: criteria provided, single submitter. Criteria: Invitae Variant Classification Sherloc (09022015). Collection method: clinical testing. Allele origin: germline.
Comment: This sequence change creates a premature translational stop signal (p.Asp584Valfs*15) in the PALB2 gene. It is expected to result in an absent or disrupted protein product. This variant is not present in population databases (ExAC no frequency). This variant has not been reported in the literature in individuals with PALB2-related conditions. Algorithms developed to predict the effect of sequence changes on RNA splicing suggest that this variant may create or strengthen a splice site, but this prediction has not been confirmed by published transcriptional studies. Loss-of-function variants in PALB2 are known to be pathogenic (PMID: 17200668, 24136930, 25099575). For these reasons, this variant has been classified as Pathogenic.

Literature cited by the submitters: PubMed 17200668; PubMed 24136930; PubMed 25099575.

NM_024675.4(PALB2):c.1751del (p.Asp584fs)

Gene: PALB2 (partner and localizer of BRCA2; minus strand). Cytogenetic location: 16p12.2.
Variant type: Deletion.
Coding change: c.1751del on transcript NM_024675.4 (MANE Select); coding-DNA position 1751, one base deleted (A; older notation c.1751delA).
Protein change: p.Asp584fs; shifts the reading frame from aspartic acid 584.
Molecular consequence: frameshift variant.
Genome position (GRCh38, 1-based): chr16:23,630,403, T deleted on the plus strand (A on the coding strand, the reverse complement: PALB2 is on the minus strand). VCF-style (leftmost placement, unchanged base first): chr16-23630402-AT-A. GRCh37 (hg19) VCF-style: chr16-23641723-AT-A.
Other names: short protein forms D584fs.
Identifiers: ClinVar variation 947243 (VCV000947243.8), dbSNP rs1966866862, ClinGen allele CA1139664601.